The following is an entry in ClinVar:

ClinVar aggregate classification (germline): Uncertain significance (1 of 4 stars; one submission).

Allele frequency attached by ClinVar (database versions not stated): gnomAD 0.00001; TOPMed 0.00001.
gnomAD v4.1: 9 of 1,613,792 alleles (0.00056%); highest among the groups gnomAD compares: South Asian, 0.0011%; no homozygotes.

Submission:

Labcorp Genetics (formerly Invitae), Labcorp
Classification: Uncertain significance. Last evaluated: 2021-12-02. Review status: criteria provided, single submitter. Criteria: Invitae Variant Classification Sherloc (09022015). Collection method: clinical testing. Allele origin: germline.
Comment: This sequence change replaces threonine, which is neutral and polar, with isoleucine, which is neutral and non-polar, at codon 792 of the KIAA1549 protein (p.Thr792Ile). This variant is present in population databases (rs766458275, gnomAD 0.003%). This variant has not been reported in the literature in individuals affected with KIAA1549-related conditions. Algorithms developed to predict the effect of missense changes on protein structure and function (SIFT, PolyPhen-2, Align-GVGD) all suggest that this variant is likely to be tolerated. In summary, the available evidence is currently insufficient to determine the role of this variant in disease. Therefore, it has been classified as a Variant of Uncertain Significance.

NM_001164665.2(KIAA1549):c.2375C>T (p.Thr792Ile)

Gene: KIAA1549 (KIAA1549; minus strand). Cytogenetic location: 7q34.
Variant type: single nucleotide variant.
Coding change: c.2375C>T on transcript NM_001164665.2 (MANE Select); coding-DNA position 2375, C replaced by T.
Protein change: p.Thr792Ile; replaces threonine 792 with isoleucine.
Molecular consequence: missense variant.
Genome position (GRCh38, 1-based): chr7:138,917,251, G>A on the plus strand (C>T on the coding strand, the complement: KIAA1549 is on the minus strand). VCF-style: chr7-138917251-G-A. GRCh37 (hg19) VCF-style: chr7-138601997-G-A.
Other names: c.2375C>T, p.Thr792Ile (NM_020910.3); short protein forms T792I.
Identifiers: ClinVar variation 2084934 (VCV002084934.1), dbSNP rs766458275, ClinGen allele CA4506522.